The following is an entry in ClinVar:

NM_000138.5(FBN1):c.5422+4A>G

Gene: FBN1 (fibrillin 1; minus strand). Cytogenetic location: 15q21.1.
Variant type: single nucleotide variant.
Coding change: c.5422+4A>G on transcript NM_000138.5 (MANE Select); 4 bases into the intron after coding-DNA position 5422, A replaced by G.
Molecular consequence: intron variant.
Genome position (GRCh38, 1-based): chr15:48,456,633, T>C on the plus strand (A>G on the coding strand, the complement: FBN1 is on the minus strand). VCF-style: chr15-48456633-T-C. GRCh37 (hg19) VCF-style: chr15-48748830-T-C.
Identifiers: ClinVar variation 922859 (VCV000922859.3), dbSNP rs2043239792, ClinGen allele CA1139663935.

ClinVar aggregate classification (germline): Uncertain significance (1 of 4 stars; one submission).

Conditions:
Familial thoracic aortic aneurysm and aortic dissection (TAAD). Also called: Thoracic aortic aneurysms and dissections. Identifiers: Orphanet 91387, MedGen C4707243, MONDO:0019625.

Submission:

Color Diagnostics, LLC DBA Color Health
Classification: Uncertain significance for Familial thoracic aortic aneurysm and aortic dissection. Last evaluated: 2019-10-07. Review status: criteria provided, single submitter. Criteria: ACMG Guidelines, 2015. Collection method: clinical testing. Allele origin: germline.
Comment: This variant causes an A>G nucleotide substitution at the +4 position of intron 44 of the FBN1 gene. Splice site prediction tools and conservation analysis are inconclusive regarding the impact of this variant on RNA splicing. To our knowledge, functional studies have not been performed for this variant. This variant has not been reported in individuals affected with cardiovascular disorders in the literature. This variant has not been identified in the general population by the Genome Aggregation Database (gnomAD). The available evidence is insufficient to determine the role of this variant in disease conclusively. Therefore, this variant is classified as a Variant of Uncertain Significance.